The following is an entry in ClinVar:

ClinVar aggregate classification (germline): Uncertain significance (1 of 4 stars; one submission).

Conditions:
Familial adenomatous polyposis 1 (FAP1). Also called: FAMILIAL ADENOMATOUS POLYPOSIS 1, ATTENUATED; POLYPOSIS, ADENOMATOUS INTESTINAL. Identifiers: MedGen C2713442, MONDO:0021056, OMIM 175100. Disease mechanism: loss of function.

Submission:

Labcorp Genetics (formerly Invitae), Labcorp
Classification: Uncertain significance for Familial adenomatous polyposis 1. Last evaluated: 2025-04-11. Review status: criteria provided, single submitter. Criteria: Invitae Variant Classification Sherloc (09022015). Collection method: clinical testing. Allele origin: germline.
Comment: This variant occurs in a non-coding region of the APC gene. It does not change the encoded amino acid sequence of the APC protein. This variant is not present in population databases (gnomAD no frequency). This variant has not been reported in the literature in individuals affected with APC-related conditions. ClinVar contains an entry for this variant (Variation ID: 658220). Experimental studies and prediction algorithms are not available or were not evaluated, and the functional significance of this variant is currently unknown. In summary, the available evidence is currently insufficient to determine the role of this variant in disease. Therefore, it has been classified as a Variant of Uncertain Significance.

NM_001127511.3(APC):c.127G>A (p.Gly43Ser)

Gene: APC (APC regulator of Wnt signaling pathway; plus strand). Cytogenetic location: 5q22.2.
Variant type: single nucleotide variant.
Coding change: c.127G>A on transcript NM_001127511.3; coding-DNA position 127, G replaced by A.
Protein change: p.Gly43Ser; replaces glycine 43 with serine.
Molecular consequence: missense variant. On other transcripts: 5 prime UTR variant (8), non-coding transcript variant (1), intron variant (5).
Genome position (GRCh38, 1-based): chr5:112,707,844, G>A. VCF-style: chr5-112707844-G-A. GRCh37 (hg19) VCF-style: chr5-112043541-G-A.
Other names: c.-57G>A (NM_001354895.2, NM_001407447.1, NM_001407452.1 and 3 more transcripts); c.127G>A, p.Gly43Ser (NM_001354897.2, NM_001354902.2, NM_001407446.1); c.-1092G>A (NM_001407470.1, NM_001407472.1); c.-19+195G>A (NM_001407448.1, NM_001407450.1, NM_001407457.1 and 1 more transcripts); c.-43+195G>A (NM_001407453.1); short protein forms G43S.
Identifiers: ClinVar variation 658220 (VCV000658220.9), dbSNP rs1171615515, ClinGen allele CA360612064.